The following is an entry in ClinVar:

NM_004064.5(CDKN1B):c.416A>G (p.Asp139Gly)

Gene: CDKN1B (cyclin dependent kinase inhibitor 1B; plus strand). Cytogenetic location: 12p13.1.
Variant type: single nucleotide variant.
Coding change: c.416A>G on transcript NM_004064.5 (MANE Select); coding-DNA position 416, A replaced by G.
Protein change: p.Asp139Gly; replaces aspartic acid 139 with glycine.
Molecular consequence: missense variant.
Genome position (GRCh38, 1-based): chr12:12,718,255, A>G. VCF-style: chr12-12718255-A-G. GRCh37 (hg19) VCF-style: chr12-12871189-A-G.
Other names: short protein forms D139G.
Identifiers: ClinVar variation 1738396 (VCV001738396.2), dbSNP rs2136356480, ClinGen allele CA383970680.

ClinVar aggregate classification (germline): Uncertain significance (1 of 4 stars; one submission).

Conditions:
Hereditary cancer-predisposing syndrome. Also called: Hereditary Cancer Syndrome; Hereditary neoplastic syndrome; Neoplastic Syndromes, Hereditary; Tumor predisposition. Identifiers: Orphanet 140162, MedGen C0027672, MeSH D009386, MONDO:0015356.

Submission:

Ambry Genetics
Classification: Uncertain significance for Hereditary cancer-predisposing syndrome. Last evaluated: 2022-07-17. Review status: criteria provided, single submitter. Criteria: Ambry Variant Classification Scheme 2023. Collection method: clinical testing. Allele origin: germline.
Comment: The p.D139G variant (also known as c.416A>G), located in coding exon 1 of the CDKN1B gene, results from an A to G substitution at nucleotide position 416. The aspartic acid at codon 139 is replaced by glycine, an amino acid with similar properties. This amino acid position is conserved. In addition, this alteration is predicted to be tolerated by in silico analysis. Since supporting evidence is limited at this time, the clinical significance of this alteration remains unclear.